The following is an entry in ClinVar:

NM_024678.6(NARS2):c.1026+260G>A

Gene: NARS2 (asparaginyl-tRNA synthetase 2, mitochondrial; minus strand). Cytogenetic location: 11q14.1.
Variant type: single nucleotide variant.
Coding change: c.1026+260G>A on transcript NM_024678.6 (MANE Select); 260 bases into the intron after coding-DNA position 1026, G replaced by A.
Molecular consequence: intron variant.
Genome position (GRCh38, 1-based): chr11:78,468,987, C>T on the plus strand (G>A on the coding strand, the complement: NARS2 is on the minus strand). VCF-style: chr11-78468987-C-T. GRCh37 (hg19) VCF-style: chr11-78180033-C-T.
Other names: c.345+260G>A (NM_001243251.2).
Identifiers: ClinVar variation 673196 (VCV000673196.1), dbSNP rs114225694, ClinGen allele CA225100609.

ClinVar aggregate classification (germline): Benign (1 of 4 stars; one submission).

Allele frequency attached by ClinVar (database versions not stated): gnomAD 0.01627 and 0.01730; TOPMed 0.01816; 1000 Genomes Project 0.02017; 1000 Genomes Project 30x 0.02092.
gnomAD v4.1: 2,448 of 152,010 alleles (1.6%); highest among the groups gnomAD compares: African/African-American, 5.6%; 56 homozygotes.

Submission:

GeneDx
Classification: Benign. Last evaluated: 2018-06-14. Review status: criteria provided, single submitter. Criteria: GeneDx Variant Classification (06012015). Collection method: clinical testing. Allele origin: germline. Affected: yes.
Comment: This variant is considered likely benign or benign based on one or more of the following criteria: it is a conservative change, it occurs at a poorly conserved position in the protein, it is predicted to be benign by multiple in silico algorithms, and/or has population frequency not consistent with disease.